The following is an entry in ClinVar:

ClinVar aggregate classification (germline): Uncertain significance. Review status: criteria provided, multiple submitters, no conflicts (2 of 4 stars). 5 submissions from 5 submitters: Uncertain significance (5). Last evaluated 2025-02-03.

Allele frequency attached by ClinVar (database versions not stated): TOPMed below 0.00001; gnomAD 0.00001; gnomAD exomes 0.00001; ExAC 0.00003; ESP Exome Variant Server 0.00008.
gnomAD v4.1: 11 of 1,612,784 alleles (0.00068%); highest among the groups gnomAD compares: Admixed American, 0.0017%; no homozygotes.

Submissions (5):

ARUP Laboratories, Molecular Genetics and Genomics, ARUP Laboratories
Classification: Uncertain significance. Last evaluated: 2025-02-03. Review status: criteria provided, single submitter. Criteria: ARUP Molecular Germline Variant Investigation Process 2024. Collection method: clinical testing. Allele origin: germline.
Comment: The SPTB c.325C>T; p.Arg109Cys variant (rs139094636), to our knowledge, is not reported in the medical literature in SPTB-related conditions but is reported in ClinVar (Variation ID: 1163561). This variant is only observed on three alleles in the Genome Aggregation Database (v2.1.1), indicating it is not a common polymorphism. Computational analyses predict that this variant is deleterious (REVEL: 0.755). However, given the lack of clinical and functional data, the significance of this variant is uncertain at this time.

Blueprint Genetics
Classification: Uncertain significance. Last evaluated: 2023-12-05. Review status: criteria provided, single submitter. Criteria: ACMG Guidelines, 2015. Collection method: clinical testing. Allele origin: germline.

Labcorp Genetics (formerly Invitae), Labcorp
Classification: Uncertain significance. Last evaluated: 2023-03-08. Review status: criteria provided, single submitter. Criteria: Invitae Variant Classification Sherloc (09022015). Collection method: clinical testing. Allele origin: germline.
Comment: In summary, the available evidence is currently insufficient to determine the role of this variant in disease. Therefore, it has been classified as a Variant of Uncertain Significance. An algorithm developed to predict the effect of missense changes on protein structure and function (PolyPhen-2) suggests that this variant is likely to be disruptive. ClinVar contains an entry for this variant (Variation ID: 1163561). This variant has not been reported in the literature in individuals affected with SPTB-related conditions. The frequency data for this variant in the population databases is considered unreliable, as metrics indicate poor data quality at this position in the gnomAD database. This sequence change replaces arginine, which is basic and polar, with cysteine, which is neutral and slightly polar, at codon 109 of the SPTB protein (p.Arg109Cys).

Revvity Omics, Revvity
Classification: Uncertain significance. Last evaluated: 2022-07-11. Review status: criteria provided, single submitter. Criteria: ACMG Guidelines, 2015. Collection method: clinical testing. Allele origin: germline.

Mayo Clinic Laboratories, Mayo Clinic
Classification: Uncertain significance. Last evaluated: 2019-05-16. Review status: criteria provided, single submitter. Criteria: ACMG Guidelines, 2015. Collection method: clinical testing. Allele origin: germline. Observed: 1 variant allele.

NM_001355436.2(SPTB):c.325C>T (p.Arg109Cys)

Gene: SPTB (spectrin beta, erythrocytic; minus strand). Cytogenetic location: 14q23.3.
Variant type: single nucleotide variant.
Coding change: c.325C>T on transcript NM_001355436.2 (MANE Select); coding-DNA position 325, C replaced by T.
Protein change: p.Arg109Cys; replaces arginine 109 with cysteine.
Molecular consequence: missense variant.
Genome position (GRCh38, 1-based): chr14:64,803,756, G>A on the plus strand (C>T on the coding strand, the complement: SPTB is on the minus strand). VCF-style: chr14-64803756-G-A. GRCh37 (hg19) VCF-style: chr14-65270474-G-A.
Other names: c.325C>T, p.Arg109Cys (NM_001024858.4, NM_001355437.2); short protein forms R109C.
Identifiers: ClinVar variation 1163561 (VCV001163561.14), dbSNP rs139094636, ClinGen allele CA7231471.